The following is an entry in ClinVar:

ClinVar aggregate classification (germline): Uncertain significance (1 of 4 stars; one submission).

Conditions:
Hoyeraal-Hreidarsson syndrome (HHS). Also called: CEREBELLAR HYPOPLASIA WITH PANCYTOPENIA. Identifiers: Orphanet 3322, MedGen C1846142, MONDO:0018045.
Autosomal recessive dyskeratosis congenita. Identifiers: MedGen C3502105.

Allele frequency attached by ClinVar (database versions not stated): gnomAD 0.00001; gnomAD exomes 0.00001; TOPMed 0.00001.
gnomAD v4.1: 24 of 1,613,886 alleles (0.0015%); highest among the groups gnomAD compares: African/African-American, 0.004%; no homozygotes.

Submission:

Labcorp Genetics (formerly Invitae), Labcorp
Classification: Uncertain significance for Hoyeraal-Hreidarsson syndrome; Autosomal recessive dyskeratosis congenita. Last evaluated: 2019-06-20. Review status: criteria provided, single submitter. Criteria: Invitae Variant Classification Sherloc (09022015). Collection method: clinical testing. Allele origin: germline.
Comment: In summary, the available evidence is currently insufficient to determine the role of this variant in disease. Therefore, it has been classified as a Variant of Uncertain Significance. Algorithms developed to predict the effect of missense changes on protein structure and function output the following: SIFT: "Tolerated"; PolyPhen-2: "Benign"; Align-GVGD: "Class C0". The arginine amino acid residue is found in multiple mammalian species, suggesting that this missense change does not adversely affect protein function. These predictions have not been confirmed by published functional studies and their clinical significance is uncertain. This variant has not been reported in the literature in individuals with DCLRE1B-related conditions. This variant is not present in population databases (ExAC no frequency). This sequence change replaces glutamine with arginine at codon 87 of the DCLRE1B protein (p.Gln87Arg). The glutamine residue is weakly conserved and there is a small physicochemical difference between glutamine and arginine.

NM_022836.4(DCLRE1B):c.260A>G (p.Gln87Arg)

Gene: DCLRE1B (DNA cross-link repair 1B; plus strand). Cytogenetic location: 1p13.2.
Variant type: single nucleotide variant.
Coding change: c.260A>G on transcript NM_022836.4 (MANE Select); coding-DNA position 260, A replaced by G.
Protein change: p.Gln87Arg; replaces glutamine 87 with arginine.
Molecular consequence: missense variant. On other transcripts: intron variant (3).
Genome position (GRCh38, 1-based): chr1:113,907,066, A>G. VCF-style: chr1-113907066-A-G. GRCh37 (hg19) VCF-style: chr1-114449688-A-G.
Other names: c.260A>G, p.Gln87Arg (NM_001363690.2); c.-23-943A>G (NM_001319947.2, NM_001319946.2, NM_001363691.2); short protein forms Q87R.
Identifiers: ClinVar variation 938127 (VCV000938127.9), dbSNP rs1439653012, ClinGen allele CA341698029.